The following is an entry in ClinVar:

ClinVar aggregate classification (germline): Pathogenic (1 of 4 stars; one submission).

Conditions:
Inborn genetic diseases. Identifiers: MedGen C0950123, MeSH D030342.

Allele frequency attached by ClinVar (database versions not stated): gnomAD exomes 0.00001.
gnomAD v4.1: 4 of 1,611,142 alleles (0.00025%); highest among the groups gnomAD compares: Non-Finnish European, 0.00034%; no homozygotes.

Submission:

Ambry Genetics
Classification: Pathogenic for Inborn genetic diseases. Last evaluated: 2021-06-03. Review status: criteria provided, single submitter. Criteria: Ambry Variant Classification Scheme 2023. Collection method: clinical testing. Allele origin: germline.
Comment: The c.1164T>G (p.Y388*) alteration, located in exon 7 (coding exon 7) of the FUCA1 gene, consists of a T to G substitution at nucleotide position 1164. This changes the amino acid from a tyrosine (Y) to a stop codon at amino acid position 388. This alteration is expected to result in loss of function by premature protein truncation or nonsense-mediated mRNA decay. Based on data from the Genome Aggregation Database (gnomAD), the FUCA1 c.1164T>G alteration was not observed, with coverage at this position. Based on the available evidence, this alteration is classified as pathogenic.

NM_000147.5(FUCA1):c.1164T>G (p.Tyr388Ter)

Gene: FUCA1 (alpha-L-fucosidase 1; minus strand). Cytogenetic location: 1p36.11.
Variant type: single nucleotide variant.
Coding change: c.1164T>G on transcript NM_000147.5 (MANE Select); coding-DNA position 1164, T replaced by G.
Protein change: p.Tyr388Ter; replaces tyrosine 388 with a stop codon.
Molecular consequence: nonsense. On other transcripts: non-coding transcript variant (4).
Genome position (GRCh38, 1-based): chr1:23,846,170, A>C on the plus strand (T>G on the coding strand, the complement: FUCA1 is on the minus strand). VCF-style: chr1-23846170-A-C. GRCh37 (hg19) VCF-style: chr1-24172660-A-C.
Other names: short protein forms Y388*.
Identifiers: ClinVar variation 2222033 (VCV002222033.2), dbSNP rs2521618823, ClinGen allele CA339034859.